The following is an entry in ClinVar:

ClinVar aggregate classification (germline): Pathogenic/Likely pathogenic. Review status: criteria provided, multiple submitters, no conflicts (2 of 4 stars). 2 submissions from 2 submitters: Pathogenic (1); Likely pathogenic (1). Last evaluated 2025-09-29.

Conditions:
Tyrosinase-positive oculocutaneous albinism (OCA2). Also called: ALBINISM II; Albinism, oculocutaneous, type II; Oculocutaneous albinism type 2. Identifiers: Orphanet 79432, MedGen C0268495, MONDO:0008746, OMIM 203200.

Allele frequency attached by ClinVar (database versions not stated): gnomAD exomes below 0.00001.
gnomAD v4.1: 1 of 1,613,700 alleles (0.000062%); highest among the groups gnomAD compares: Admixed American, 0.0017%; no homozygotes.

Submissions (2):

Myriad Genetics, Inc.
Classification: Pathogenic for Tyrosinase-positive oculocutaneous albinism. Last evaluated: 2025-09-29. Review status: criteria provided, single submitter. Criteria: Myriad Autosomal Dominant, Autosomal Recessive and X-Linked Classification Criteria (2023). Collection method: clinical testing. Allele origin: unknown.
Comment: NM_000275.2(OCA2):c.1240-1G>C is a variant in a canonical splice site classified as pathogenic in the context of oculocutaneous albinism, OCA2-related. c.1240-1G>C has been observed in a case with relevant disease (PMID: 28451379). Relevant functional assessments of this variant are not available in the literature. c.1240-1G>C has not been observed in referenced population frequency databases. In summary, NM_000275.2(OCA2):c.1240-1G>C is a variant in a canonical splice site in a gene where loss of function is a known mechanism of disease, is predicted to disrupt protein function, and has been observed more frequently in cases with the relevant disease than in healthy populations. Please note: this variant was assessed in the context of healthy population screening.

Labcorp Genetics (formerly Invitae), Labcorp
Classification: Likely pathogenic. Last evaluated: 2022-07-27. Review status: criteria provided, single submitter. Criteria: Invitae Variant Classification Sherloc (09022015). Collection method: clinical testing. Allele origin: germline.
Comment: In summary, the currently available evidence indicates that the variant is pathogenic, but additional data are needed to prove that conclusively. Therefore, this variant has been classified as Likely Pathogenic. Algorithms developed to predict the effect of sequence changes on RNA splicing suggest that this variant may disrupt the consensus splice site. Disruption of this splice site has been observed in individual(s) with oculocutaneous albinism (PMID: 28451379). This variant is not present in population databases (gnomAD no frequency). This sequence change affects an acceptor splice site in intron 12 of the OCA2 gene. It is expected to disrupt RNA splicing. Variants that disrupt the donor or acceptor splice site typically lead to a loss of protein function (PMID: 16199547), and loss-of-function variants in OCA2 are known to be pathogenic (PMID: 19865097, 21541274).

Literature cited by the submitters: PubMed 28451379 (cited by Myriad Genetics, Inc. and Labcorp Genetics (formerly Invitae), Labcorp); PubMed 16199547 (cited by Labcorp Genetics (formerly Invitae), Labcorp); PubMed 19865097 (cited by Labcorp Genetics (formerly Invitae), Labcorp); PubMed 21541274 (cited by Labcorp Genetics (formerly Invitae), Labcorp).

NM_000275.3(OCA2):c.1240-1G>C

Gene: OCA2 (OCA2 melanosomal transmembrane protein; minus strand). Cytogenetic location: 15q13.1.
Variant type: single nucleotide variant.
Coding change: c.1240-1G>C on transcript NM_000275.3 (MANE Select); the canonical splice acceptor site of the intron before coding-DNA position 1240, G replaced by C.
Molecular consequence: splice acceptor variant.
Genome position (GRCh38, 1-based): chr15:27,985,189, C>G on the plus strand (G>C on the coding strand, the complement: OCA2 is on the minus strand). VCF-style: chr15-27985189-C-G. GRCh37 (hg19) VCF-style: chr15-28230335-C-G.
Other names: c.1168-1G>C (NM_001300984.2).
Identifiers: ClinVar variation 2137635 (VCV002137635.5), dbSNP rs2548345877, ClinGen allele CA391360736.